The following is an entry in ClinVar:

NM_002292.4(LAMB2):c.1882G>C (p.Glu628Gln)

Gene: LAMB2 (laminin subunit beta 2; minus strand). Cytogenetic location: 3p21.31.
Variant type: single nucleotide variant.
Coding change: c.1882G>C on transcript NM_002292.4 (MANE Select); coding-DNA position 1882, G replaced by C.
Protein change: p.Glu628Gln; replaces glutamic acid 628 with glutamine.
Molecular consequence: missense variant.
Genome position (GRCh38, 1-based): chr3:49,128,669, C>G on the plus strand (G>C on the coding strand, the complement: LAMB2 is on the minus strand). VCF-style: chr3-49128669-C-G. GRCh37 (hg19) VCF-style: chr3-49166102-C-G.
Other names: short protein forms E628Q.
Identifiers: ClinVar variation 959505 (VCV000959505.6), dbSNP rs763825655, ClinGen allele CA2394476.
Genomic context (GRCh38, chr3:49,128,669, plus strand): 5'-AGATGCTCCCACACCCAGAGGTTCAGCCCCAGATTAGATAACAGGGTCTAACCTGGGGCT[C>G]TAAGCGCAGCAGCAGGTCATAGTCCATAGCCTTCGGCACAGAGGCCACCAGGAACTCCAG-3'
Protein context (NP_002283.3, residues 618-638): AMDYDLLLRL[Glu628Gln]PQVPEQWAEL

ClinVar aggregate classification (germline): Uncertain significance. Review status: criteria provided, multiple submitters, no conflicts (2 of 4 stars). 3 submissions from 3 submitters: Uncertain significance (3). Last evaluated 2025-10-06.

Conditions:
Pierson syndrome. Also called: MICROCORIA-CONGENITAL NEPHROTIC SYNDROME. Identifiers: Orphanet 2670, MedGen C1836876, MONDO:0012184, OMIM 609049.
LAMB2-related infantile-onset nephrotic syndrome. Also called: Nephrotic Syndrome, type 5; NEPHROTIC SYNDROME, TYPE 5, WITHOUT OCULAR ABNORMALITIES; NEPHROTIC SYNDROME, TYPE 5, WITH OCULAR ABNORMALITIES. Identifiers: Orphanet 306507, MedGen C3280113, MONDO:0013621, OMIM 614199.
Inborn genetic diseases. Identifiers: MedGen C0950123, MeSH D030342.

Allele frequency attached by ClinVar (database versions not stated): gnomAD 0.00001; gnomAD exomes 0.00001; TOPMed 0.00001; ExAC 0.00002.
gnomAD v4.1: 41 of 1,614,062 alleles (0.0025%); highest among the groups gnomAD compares: Middle Eastern, 0.016%; no homozygotes.

Submissions (3):

Ambry Genetics
Classification: Uncertain significance for Inborn genetic diseases. Last evaluated: 2025-10-06. Review status: criteria provided, single submitter. Criteria: Ambry Variant Classification Scheme 2023. Collection method: clinical testing. Allele origin: germline.

Fulgent Genetics
Classification: Uncertain significance for Pierson syndrome; LAMB2-related infantile-onset nephrotic syndrome. Last evaluated: 2022-01-28. Review status: criteria provided, single submitter. Criteria: ACMG Guidelines, 2015. Collection method: clinical testing. Allele origin: unknown.

Labcorp Genetics (formerly Invitae), Labcorp
Classification: Uncertain significance for LAMB2-related infantile-onset nephrotic syndrome; Pierson syndrome. Last evaluated: 2022-01-14. Review status: criteria provided, single submitter. Criteria: Invitae Variant Classification Sherloc (09022015). Collection method: clinical testing. Allele origin: germline.
Comment: This sequence change replaces glutamic acid, which is acidic and polar, with glutamine, which is neutral and polar, at codon 628 of the LAMB2 protein (p.Glu628Gln). This variant is present in population databases (rs763825655, gnomAD 0.003%). This variant has not been reported in the literature in individuals affected with LAMB2-related conditions. ClinVar contains an entry for this variant (Variation ID: 959505). Algorithms developed to predict the effect of missense changes on protein structure and function (SIFT, PolyPhen-2, Align-GVGD) all suggest that this variant is likely to be disruptive. In summary, the available evidence is currently insufficient to determine the role of this variant in disease. Therefore, it has been classified as a Variant of Uncertain Significance.